The following is an entry in ClinVar:

ClinVar aggregate classification (germline): Conflicting classifications of pathogenicity. Review status: criteria provided, conflicting classifications (1 of 4 stars). 3 submissions from 3 submitters: Uncertain significance (2); Likely benign (1). Last evaluated 2025-06-28.

Conditions:
Microcephaly 3, primary, autosomal recessive. Identifiers: Orphanet 2512, MedGen C1858108, MONDO:0011488, OMIM 604804.

Allele frequency attached by ClinVar (database versions not stated): ESP Exome Variant Server 0.00008; gnomAD 0.00011 and 0.00012; TOPMed 0.00011; ExAC 0.00013; gnomAD exomes 0.00023.
gnomAD v4.1: 191 of 1,613,570 alleles (0.012%); highest among the groups gnomAD compares: Middle Eastern, 0.066%; no homozygotes.

Submissions (3):

Labcorp Genetics (formerly Invitae), Labcorp
Classification: Likely benign. Last evaluated: 2025-06-28. Review status: criteria provided, single submitter. Criteria: Invitae Variant Classification Sherloc (09022015). Collection method: clinical testing. Allele origin: germline.

GeneDx
Classification: Uncertain significance. Last evaluated: 2023-07-03. Review status: criteria provided, single submitter. Criteria: GeneDx Variant Classification Process June 2021. Collection method: clinical testing. Allele origin: germline. Affected: yes.
Comment: In silico analysis supports that this missense variant has a deleterious effect on protein structure/function; Has not been previously published as pathogenic or benign to our knowledge

Illumina Laboratory Services, Illumina
Classification: Uncertain significance for Microcephaly 3, primary, autosomal recessive. Last evaluated: 2018-01-12. Review status: criteria provided, single submitter. Criteria: ICSL Variant Classification Criteria 13 December 2019. Collection method: clinical testing. Allele origin: germline.

NM_018249.6(CDK5RAP2):c.4165A>T (p.Ser1389Cys)

Gene: CDK5RAP2 (CDK5 regulatory subunit associated protein 2; minus strand). Cytogenetic location: 9q33.2.
Variant type: single nucleotide variant.
Coding change: c.4165A>T on transcript NM_018249.6 (MANE Select); coding-DNA position 4165, A replaced by T.
Protein change: p.Ser1389Cys; replaces serine 1389 with cysteine.
Molecular consequence: missense variant. On other transcripts: non-coding transcript variant (5).
Genome position (GRCh38, 1-based): chr9:120,419,800, T>A on the plus strand (A>T on the coding strand, the complement: CDK5RAP2 is on the minus strand). VCF-style: chr9-120419800-T-A. GRCh37 (hg19) VCF-style: chr9-123182078-T-A.
Other names: c.4165A>T (NM_018249.4); c.4165A>T, p.Ser1389Cys (NM_001011649.3); c.3475A>T, p.Ser1159Cys (NM_001272039.2); short protein forms S1389C, S1159C.
Identifiers: ClinVar variation 913352 (VCV000913352.12), dbSNP rs200673172, ClinGen allele CA5213652.